The following is an entry in ClinVar:

NM_001972.4(ELANE):c.776A>G (p.Asp259Gly)

Gene: ELANE (elastase, neutrophil expressed; plus strand). Cytogenetic location: 19p13.3.
Variant type: single nucleotide variant.
Coding change: c.776A>G on transcript NM_001972.4 (MANE Select); coding-DNA position 776, A replaced by G.
Protein change: p.Asp259Gly; replaces aspartic acid 259 with glycine.
Molecular consequence: missense variant.
Genome position (GRCh38, 1-based): chr19:856,136, A>G. VCF-style: chr19-856136-A-G. GRCh37 (hg19) VCF-style: chr19-856136-A-G.
Other names: short protein forms D259G.
Identifiers: ClinVar variation 4017379 (VCV004017379.1).

ClinVar aggregate classification (germline): Uncertain significance (1 of 4 stars; one submission).

Conditions:
Inborn genetic diseases. Identifiers: MedGen C0950123, MeSH D030342.

gnomAD v4.1: 1 of 1,612,758 alleles (0.000062%); highest among the groups gnomAD compares: South Asian, 0.0011%; no homozygotes.

Submission:

Ambry Genetics
Classification: Uncertain significance for Inborn genetic diseases. Last evaluated: 2025-04-14. Review status: criteria provided, single submitter. Criteria: Ambry Variant Classification Scheme 2023. Collection method: clinical testing. Allele origin: germline.
Comment: The p.D259G variant (also known as c.776A>G), located in coding exon 5 of the ELANE gene, results from an A to G substitution at nucleotide position 776. The aspartic acid at codon 259 is replaced by glycine, an amino acid with similar properties. This amino acid position is conserved. In addition, this alteration is predicted to be tolerated by in silico analysis. Based on the available evidence, the clinical significance of this variant remains unclear.